The following is an entry in ClinVar:

ClinVar aggregate classification (germline): Likely benign (0 of 4 stars; one submission).

Conditions:
VWF-related disorder. Also called: VWF-related disorders; VWF-related condition.

Allele frequency attached by ClinVar (database versions not stated): gnomAD 0.00001; gnomAD exomes 0.00001; TOPMed 0.00001.
gnomAD v4.1: 19 of 1,536,546 alleles (0.0012%); highest among the groups gnomAD compares: Non-Finnish European, 0.0017%; no homozygotes.

Submission:

PreventionGenetics, part of Exact Sciences
Classification: Likely benign for VWF-related condition. Last evaluated: 2021-09-02. Review status: no assertion criteria provided. Collection method: clinical testing. Allele origin: germline.
Comment: This variant is classified as likely benign based on ACMG/AMP sequence variant interpretation guidelines (Richards et al. 2015 PMID: 25741868, with internal and published modifications).

NM_000552.5(VWF):c.1860G>A (p.Glu620=)

Gene: VWF (von Willebrand factor; minus strand). Cytogenetic location: 12p13.31.
Variant type: single nucleotide variant.
Coding change: c.1860G>A on transcript NM_000552.5 (MANE Select); coding-DNA position 1860, G replaced by A.
Protein change: p.Glu620=; no amino-acid change (glutamic acid 620 retained).
Molecular consequence: synonymous variant.
Genome position (GRCh38, 1-based): chr12:6,056,942, C>T on the plus strand (G>A on the coding strand, the complement: VWF is on the minus strand). VCF-style: chr12-6056942-C-T. GRCh37 (hg19) VCF-style: chr12-6166108-C-T.
Identifiers: ClinVar variation 3032782 (VCV003032782.2), dbSNP rs1226974963, ClinGen allele CA478103726.